The following is an entry in ClinVar:

NC_000001.11:g.235803063CT[1]

Gene: LYST (lysosomal trafficking regulator; minus strand). Cytogenetic location: 1q42.3.
Variant type: Microsatellite.
Genome position: GRCh38 VCF-style: chr1-235803062-ACT-A. GRCh37 (hg19) VCF-style: chr1-235966362-ACT-A.
Identifiers: ClinVar variation 3898540 (VCV003898540.7).

ClinVar aggregate classification (germline): Pathogenic (1 of 4 stars; one submission).

Submission:

CeGaT Center for Human Genetics Tuebingen
Classification: Pathogenic. Last evaluated: 2025-06-01. Review status: criteria provided, single submitter. Criteria: CeGaT Center For Human Genetics Tuebingen Variant Classification Criteria Version 2. Collection method: clinical testing. Allele origin: germline. Affected: yes. Observed: 2 variant alleles.
Comment: LYST: PVS1, PM2